The following is an entry in ClinVar:

NM_000094.4(COL7A1):c.1111C>G (p.Gln371Glu)

Gene: COL7A1 (collagen type VII alpha 1 chain; minus strand). Cytogenetic location: 3p21.31.
Variant type: single nucleotide variant.
Coding change: c.1111C>G on transcript NM_000094.4 (MANE Select); coding-DNA position 1111, C replaced by G.
Protein change: p.Gln371Glu; replaces glutamine 371 with glutamic acid.
Molecular consequence: missense variant.
Genome position (GRCh38, 1-based): chr3:48,592,231, G>C on the plus strand (C>G on the coding strand, the complement: COL7A1 is on the minus strand). VCF-style: chr3-48592231-G-C. GRCh37 (hg19) VCF-style: chr3-48629664-G-C.
Other names: short protein forms Q371E.
Identifiers: ClinVar variation 1497864 (VCV001497864.8), dbSNP rs2107791926, ClinGen allele CA352738204.

ClinVar aggregate classification (germline): Uncertain significance (1 of 4 stars; one submission).

Submission:

Labcorp Genetics (formerly Invitae), Labcorp
Classification: Uncertain significance. Last evaluated: 2022-08-22. Review status: criteria provided, single submitter. Criteria: Invitae Variant Classification Sherloc (09022015). Collection method: clinical testing. Allele origin: germline.
Comment: In summary, the available evidence is currently insufficient to determine the role of this variant in disease. Therefore, it has been classified as a Variant of Uncertain Significance. Advanced modeling of protein sequence and biophysical properties (such as structural, functional, and spatial information, amino acid conservation, physicochemical variation, residue mobility, and thermodynamic stability) performed at Invitae indicates that this missense variant is not expected to disrupt COL7A1 protein function. ClinVar contains an entry for this variant (Variation ID: 1497864). This variant has not been reported in the literature in individuals affected with COL7A1-related conditions. This variant is not present in population databases (gnomAD no frequency). This sequence change replaces glutamine, which is neutral and polar, with glutamic acid, which is acidic and polar, at codon 371 of the COL7A1 protein (p.Gln371Glu).